The following is an entry in ClinVar:

NM_000092.5(COL4A4):c.1562G>A (p.Gly521Asp)

Gene: COL4A4 (collagen type IV alpha 4 chain; minus strand). Cytogenetic location: 2q36.3.
Variant type: single nucleotide variant.
Coding change: c.1562G>A on transcript NM_000092.5 (MANE Select); coding-DNA position 1562, G replaced by A.
Protein change: p.Gly521Asp; replaces glycine 521 with aspartic acid.
Molecular consequence: missense variant.
Genome position (GRCh38, 1-based): chr2:227,088,714, C>T on the plus strand (G>A on the coding strand, the complement: COL4A4 is on the minus strand). VCF-style: chr2-227088714-C-T. GRCh37 (hg19) VCF-style: chr2-227953430-C-T.
Other names: short protein forms G521D.
Identifiers: ClinVar variation 5003586 (VCV005003586.1).

ClinVar aggregate classification (germline): Uncertain significance (1 of 4 stars; one submission).

Conditions:
Alport syndrome. Also called: Hemorrhagic familial nephritis; Hemorrhagic hereditary nephritis; Congenital hereditary hematuria. Identifiers: Orphanet 63, MedGen C1567741, MONDO:0018965.

Submission:

Myriad Genetics, Inc.
Classification: Uncertain significance for Alport syndrome. Last evaluated: 2026-04-15. Review status: criteria provided, single submitter. Criteria: Myriad Autosomal Dominant, Autosomal Recessive and X-Linked Classification Criteria (2023). Collection method: clinical testing. Allele origin: unknown.
Comment: NM_000092.4(COL4A4):c.1562G>A(G521D) is a missense variant classified as a variant of uncertain significance in the context of Alport syndrome, COL4A4-related. G521D has not been observed in cases with relevant disease. Relevant functional assessments of this variant are not available in the literature. Internal structural analysis of the variant is supportive of pathogenicity. G521D has not been observed in referenced population frequency databases. In summary, there is insufficient evidence to classify NM_000092.4(COL4A4):c.1562G>A(G521D) as pathogenic or benign. Please note: this variant was assessed in the context of healthy population screening.